The following is an entry in ClinVar:

ClinVar aggregate classification (germline): Uncertain significance (0 of 4 stars; one submission).

Conditions:
DIP2A-related disorder. Also called: DIP2A-related condition.

Submission:

PreventionGenetics, part of Exact Sciences
Classification: Uncertain significance for DIP2A-related condition. Last evaluated: 2024-04-03. Review status: no assertion criteria provided. Collection method: clinical testing. Allele origin: germline.
Comment: The DIP2A c.2662G>T variant is predicted to result in the amino acid substitution p.Val888Phe. This variant is also described as c.2637+25G>T using NM_015151.3. To our knowledge, this variant has not been reported in the literature. This variant is reported in 0.0041% of alleles in individuals of African descent in gnomAD. At this time, the clinical significance of this variant is uncertain due to the absence of conclusive functional and genetic evidence.

NM_015151.4(DIP2A):c.2637+25G>T

Gene: DIP2A (disco interacting protein 2 homolog A; plus strand). Cytogenetic location: 21q22.3.
Variant type: single nucleotide variant.
Coding change: c.2637+25G>T on transcript NM_015151.4 (MANE Select); 25 bases into the intron after coding-DNA position 2637, G replaced by T.
Molecular consequence: intron variant. On other transcripts: missense variant (1).
Genome position (GRCh38, 1-based): chr21:46,549,910, G>T. VCF-style: chr21-46549910-G-T. GRCh37 (hg19) VCF-style: chr21-47969823-G-T.
Other names: c.2662G>T, p.Val888Phe (NM_206889.3); c.2637+25G>T (NM_001353943.2, NM_001410751.1); c.2640+25G>T (NM_001353942.2); c.2625+25G>T (NM_001146116.2); short protein forms V888F.
Identifiers: ClinVar variation 3353267 (VCV003353267.1).